The following is an entry in ClinVar:

NM_006946.4(SPTBN2):c.5593C>T (p.Arg1865Trp)

Gene: SPTBN2 (spectrin beta, non-erythrocytic 2; minus strand). Cytogenetic location: 11q13.2.
Variant type: single nucleotide variant.
Coding change: c.5593C>T on transcript NM_006946.4 (MANE Select); coding-DNA position 5593, C replaced by T.
Protein change: p.Arg1865Trp; replaces arginine 1865 with tryptophan.
Molecular consequence: missense variant.
Genome position (GRCh38, 1-based): chr11:66,690,256, G>A on the plus strand (C>T on the coding strand, the complement: SPTBN2 is on the minus strand). VCF-style: chr11-66690256-G-A. GRCh37 (hg19) VCF-style: chr11-66457727-G-A.
Other names: p.Arg1865Trp; c.5593C>T (NM_006946.3); short protein forms R1865W.
Identifiers: ClinVar variation 498169 (VCV000498169.15), dbSNP rs755595060, ClinGen allele CA6128207.

ClinVar aggregate classification (germline): Conflicting classifications of pathogenicity. Review status: criteria provided, conflicting classifications (1 of 4 stars). 6 submissions from 6 submitters: Uncertain significance (5); Likely benign (1). Last evaluated 2024-11-13.

Conditions:
Inborn genetic diseases. Identifiers: MedGen C0950123, MeSH D030342.

Allele frequency attached by ClinVar (database versions not stated): ExAC 0.00003; gnomAD exomes 0.00003; gnomAD 0.00005 and 0.00006; TOPMed 0.00006.
gnomAD v4.1: 27 of 1,611,036 alleles (0.0017%); highest among the groups gnomAD compares: African/African-American, 0.004%; no homozygotes.

Submissions (6):

Ambry Genetics
Classification: Uncertain significance for Inborn genetic diseases. Last evaluated: 2024-11-13. Review status: criteria provided, single submitter. Criteria: Ambry Variant Classification Scheme 2023. Collection method: clinical testing. Allele origin: germline.

Mayo Clinic Laboratories, Mayo Clinic
Classification: Uncertain significance. Last evaluated: 2024-05-15. Review status: criteria provided, single submitter. Criteria: ACMG Guidelines, 2015. Collection method: clinical testing. Allele origin: germline. Observed: 1 variant allele.
Comment: PM2

Blueprint Genetics
Classification: Uncertain significance. Last evaluated: 2023-04-11. Review status: criteria provided, single submitter. Criteria: ACMG Guidelines, 2015. Collection method: clinical testing. Allele origin: germline.

Labcorp Genetics (formerly Invitae), Labcorp
Classification: Likely benign. Last evaluated: 2022-11-15. Review status: criteria provided, single submitter. Criteria: Invitae Variant Classification Sherloc (09022015). Collection method: clinical testing. Allele origin: germline.

Athena Diagnostics
Classification: Uncertain significance. Last evaluated: 2019-06-12. Review status: criteria provided, single submitter. Criteria: Athena Diagnostics Criteria. Collection method: clinical testing. Allele origin: germline.

Eurofins Ntd Llc (ga)
Classification: Uncertain significance. Last evaluated: 2016-10-31. Review status: criteria provided, single submitter. Criteria: EGL Classification Definitions 2015. Collection method: clinical testing. Allele origin: germline. Observed: 1 variant allele, 1 heterozygote.